The following is an entry in ClinVar:

ClinVar aggregate classification (germline): Uncertain significance. Review status: criteria provided, multiple submitters, no conflicts (2 of 4 stars). 2 submissions from 2 submitters: Uncertain significance (2). Last evaluated 2025-08-22.

Conditions:
Mucopolysaccharidosis, MPS-III-D (MPS3D). Also called: N-ACETYLGLUCOSAMINE-6-SULFATASE DEFICIENCY; SANFILIPPO SYNDROME D; MPS III D; Mucopoly-saccharidosis type 3D; N-acetylglucosamine-6-sulfate sulfatase deficiency; MPS 3D. Identifiers: Orphanet 581, Orphanet 79272, MedGen C0086650, MONDO:0009658, OMIM 252940.
Inborn genetic diseases. Identifiers: MedGen C0950123, MeSH D030342.

Allele frequency attached by ClinVar (database versions not stated): gnomAD 0.00001; gnomAD exomes 0.00002; ExAC 0.00003; TOPMed below 0.00001.
gnomAD v4.1: 22 of 1,612,480 alleles (0.0014%); highest among the groups gnomAD compares: Middle Eastern, 0.033%; no homozygotes.

Submissions (2):

Ambry Genetics
Classification: Uncertain significance for Inborn genetic diseases. Last evaluated: 2025-08-22. Review status: criteria provided, single submitter. Criteria: Ambry Variant Classification Scheme 2023. Collection method: clinical testing. Allele origin: germline.

Labcorp Genetics (formerly Invitae), Labcorp
Classification: Uncertain significance for Mucopolysaccharidosis, MPS-III-D. Last evaluated: 2022-08-09. Review status: criteria provided, single submitter. Criteria: Invitae Variant Classification Sherloc (09022015). Collection method: clinical testing. Allele origin: germline.
Comment: This sequence change replaces valine, which is neutral and non-polar, with isoleucine, which is neutral and non-polar, at codon 423 of the GNS protein (p.Val423Ile). This variant is present in population databases (rs748498913, gnomAD 0.004%). This variant has not been reported in the literature in individuals affected with GNS-related conditions. Algorithms developed to predict the effect of missense changes on protein structure and function output the following: SIFT: "Tolerated"; PolyPhen-2: "Benign"; Align-GVGD: "Class C0". The isoleucine amino acid residue is found in multiple mammalian species, which suggests that this missense change does not adversely affect protein function. In summary, the available evidence is currently insufficient to determine the role of this variant in disease. Therefore, it has been classified as a Variant of Uncertain Significance.

NM_002076.4(GNS):c.1267G>A (p.Val423Ile)

Gene: GNS (glucosamine (N-acetyl)-6-sulfatase; minus strand). Cytogenetic location: 12q14.3.
Variant type: single nucleotide variant.
Coding change: c.1267G>A on transcript NM_002076.4 (MANE Select); coding-DNA position 1267, G replaced by A.
Protein change: p.Val423Ile; replaces valine 423 with isoleucine.
Molecular consequence: missense variant.
Genome position (GRCh38, 1-based): chr12:64,723,047, C>T on the plus strand (G>A on the coding strand, the complement: GNS is on the minus strand). VCF-style: chr12-64723047-C-T. GRCh37 (hg19) VCF-style: chr12-65116827-C-T.
Other names: c.1267G>A (NM_002076.3); short protein forms V423I.
Identifiers: ClinVar variation 2169530 (VCV002169530.2), dbSNP rs748498913, ClinGen allele CA6669707.
Genomic context (GRCh38, chr12:64,723,047, plus strand): 5'-GATTCAAGCTATTACTCACAGATACGCCAGGACTCAGGGAAGGGCATGTTGGGTCAGTGA[C>T]GTTACGGCCTTCTCCTTGGTATTCCACCAGGACATCTGATCGCCAGGTCAAGTTACTGGC-3'
Protein context (NP_002067.1, residues 413-433): LVEYQGEGRN[Val423Ile]TDPTCPSLSP